The following is an entry in ClinVar:

NM_001080477.4(TENM3):c.4444G>C (p.Asp1482His)

Gene: TENM3 (teneurin transmembrane protein 3; plus strand). Cytogenetic location: 4q35.1.
Variant type: single nucleotide variant.
Coding change: c.4444G>C on transcript NM_001080477.4 (MANE Select); coding-DNA position 4444, G replaced by C.
Protein change: p.Asp1482His; replaces aspartic acid 1482 with histidine.
Molecular consequence: missense variant.
Genome position (GRCh38, 1-based): chr4:182,754,811, G>C. VCF-style: chr4-182754811-G-C. GRCh37 (hg19) VCF-style: chr4-183675964-G-C.
Other names: short protein forms D1482H.
Identifiers: ClinVar variation 1306184 (VCV001306184.2), dbSNP rs2152754078, ClinGen allele CA358830259.

ClinVar aggregate classification (germline): Uncertain significance (1 of 4 stars; one submission).

Submission:

GeneDx
Classification: Uncertain significance. Last evaluated: 2019-05-31. Review status: criteria provided, single submitter. Criteria: GeneDx Variant Classification Process June 2021. Collection method: clinical testing. Allele origin: germline. Affected: yes.
Comment: Not observed in large population cohorts (Lek et al., 2016); In silico analysis, which includes protein predictors and evolutionary conservation, supports a deleterious effect; Has not been previously published as pathogenic or benign to our knowledge